The following is an entry in ClinVar:

ClinVar aggregate classification (germline): Uncertain significance. Review status: criteria provided, multiple submitters, no conflicts (2 of 4 stars). 2 submissions from 2 submitters: Uncertain significance (2). Last evaluated 2023-06-16.

Conditions:
Hereditary cancer-predisposing syndrome. Also called: Neoplastic Syndromes, Hereditary; Tumor predisposition; Hereditary Cancer Syndrome; Hereditary neoplastic syndrome. Identifiers: Orphanet 140162, MedGen C0027672, MeSH D009386, MONDO:0015356.
Neuroblastoma, susceptibility to, 3. Also called: ALK-Related Neuroblastic Tumor Susceptibility. Identifiers: Orphanet 635, MedGen C2751681, MONDO:0013083, OMIM 613014.

gnomAD v4.1: 1 of 1,614,166 alleles (0.000062%); highest among the groups gnomAD compares: Non-Finnish European, 0.000085%; no homozygotes.

Submissions (2):

Labcorp Genetics (formerly Invitae), Labcorp
Classification: Uncertain significance for Neuroblastoma, susceptibility to, 3. Last evaluated: 2023-06-16. Review status: criteria provided, single submitter. Criteria: Invitae Variant Classification Sherloc (09022015). Collection method: clinical testing. Allele origin: germline.
Comment: In summary, the available evidence is currently insufficient to determine the role of this variant in disease. Therefore, it has been classified as a Variant of Uncertain Significance. An algorithm developed to predict the effect of missense changes on protein structure and function (PolyPhen-2) suggests that this variant is likely to be tolerated. ClinVar contains an entry for this variant (Variation ID: 538230). This variant has not been reported in the literature in individuals affected with ALK-related conditions. This variant is not present in population databases (gnomAD no frequency). This sequence change replaces proline, which is neutral and non-polar, with alanine, which is neutral and non-polar, at codon 1260 of the ALK protein (p.Pro1260Ala).

Ambry Genetics
Classification: Uncertain significance for Hereditary cancer-predisposing syndrome. Last evaluated: 2022-04-22. Review status: criteria provided, single submitter. Criteria: Ambry Variant Classification Scheme 2023. Collection method: clinical testing. Allele origin: germline.
Comment: The p.P1260A variant (also known as c.3778C>G), located in coding exon 25 of the ALK gene, results from a C to G substitution at nucleotide position 3778. The proline at codon 1260 is replaced by alanine, an amino acid with highly similar properties. This amino acid position is conserved. In addition, the in silico prediction for this alteration is inconclusive. Since supporting evidence is limited at this time, the clinical significance of this alteration remains unclear.

NM_004304.5(ALK):c.3778C>G (p.Pro1260Ala)

Gene: ALK (ALK receptor tyrosine kinase; minus strand). Cytogenetic location: 2p23.2.
Variant type: single nucleotide variant.
Coding change: c.3778C>G on transcript NM_004304.5 (MANE Select); coding-DNA position 3778, C replaced by G.
Protein change: p.Pro1260Ala; replaces proline 1260 with alanine.
Molecular consequence: missense variant.
Genome position (GRCh38, 1-based): chr2:29,209,844, G>C on the plus strand (C>G on the coding strand, the complement: ALK is on the minus strand). VCF-style: chr2-29209844-G-C. GRCh37 (hg19) VCF-style: chr2-29432710-G-C.
Other names: c.574C>G, p.Pro192Ala (NM_001353765.2); short protein forms P1260A, P192A.
Identifiers: ClinVar variation 538230 (VCV000538230.6), dbSNP rs766988856, ClinGen allele CA346469738.